The following is an entry in ClinVar:

NM_001346754.2(PIGW):c.910G>A (p.Glu304Lys)

Genes: MYO19 (myosin XIX; minus strand), PIGW (phosphatidylinositol glycan anchor biosynthesis class W; plus strand). Cytogenetic location: 17q12.
Variant type: single nucleotide variant.
Coding change: c.910G>A on transcript NM_001346754.2 (MANE Select); coding-DNA position 910, G replaced by A.
Protein change: p.Glu304Lys; replaces glutamic acid 304 with lysine.
Molecular consequence: missense variant.
Genome position (GRCh38, 1-based): chr17:36,538,011, G>A. VCF-style: chr17-36538011-G-A. GRCh37 (hg19) VCF-style: chr17-34893860-G-A.
Other names: c.910G>A (NM_178517.3); c.910G>A, p.Glu304Lys (NM_001346755.2, NM_178517.5); short protein forms E304K.
Identifiers: ClinVar variation 1347431 (VCV001347431.7), dbSNP rs763678894, ClinGen allele CA290116384.
Genomic context (GRCh38, chr17:36,538,011, plus strand): 5'-TTAATATTATATGGCACTGATGGTAGTGGCACACGGGTTGGTCTATTAAATGCCAACCGC[G>A]AAGGAATAATCTCTACCCTGGGGTATGTGGCAATACACATGGCTGGTGTGCAAACAGGGT-3'
Protein context (NP_001333683.1, residues 294-314): TRVGLLNANR[Glu304Lys]GIISTLGYVA

ClinVar aggregate classification (germline): Uncertain significance. Review status: criteria provided, multiple submitters, no conflicts (2 of 4 stars). 2 submissions from 2 submitters: Uncertain significance (2). Last evaluated 2025-08-30.

Conditions:
Hyperphosphatasia with intellectual disability syndrome 5 (GPIBD11). Also called: GLYCOSYLPHOSPHATIDYLINOSITOL BIOSYNTHESIS DEFECT 11. Identifiers: Orphanet 247262, MedGen C4014958, MONDO:0014457, OMIM 616025.
Inborn genetic diseases. Identifiers: MedGen C0950123, MeSH D030342.

Allele frequency attached by ClinVar (database versions not stated): TOPMed below 0.00001; ExAC 0.00001; gnomAD 0.00001; gnomAD exomes 0.00001.
gnomAD v4.1: 13 of 1,613,918 alleles (0.00081%); highest among the groups gnomAD compares: Admixed American, 0.0033%; no homozygotes.

Submissions (2):

Ambry Genetics
Classification: Uncertain significance for Inborn genetic diseases. Last evaluated: 2025-08-30. Review status: criteria provided, single submitter. Criteria: Ambry Variant Classification Scheme 2023. Collection method: clinical testing. Allele origin: germline.

Labcorp Genetics (formerly Invitae), Labcorp
Classification: Uncertain significance for Hyperphosphatasia with intellectual disability syndrome 5. Last evaluated: 2022-08-23. Review status: criteria provided, single submitter. Criteria: Invitae Variant Classification Sherloc (09022015). Collection method: clinical testing. Allele origin: germline.
Comment: This variant has not been reported in the literature in individuals affected with PIGW-related conditions. This variant is present in population databases (rs763678894, gnomAD 0.003%). This sequence change replaces glutamic acid, which is acidic and polar, with lysine, which is basic and polar, at codon 304 of the PIGW protein (p.Glu304Lys). ClinVar contains an entry for this variant (Variation ID: 1347431). In summary, the available evidence is currently insufficient to determine the role of this variant in disease. Therefore, it has been classified as a Variant of Uncertain Significance. Algorithms developed to predict the effect of missense changes on protein structure and function (SIFT, PolyPhen-2, Align-GVGD) all suggest that this variant is likely to be disruptive.